The following is an entry in ClinVar:

ClinVar aggregate classification (germline): Uncertain significance. Review status: criteria provided, single submitter (1 of 4 stars). 2 submissions from 2 submitters: Uncertain significance (1). 1 of the submissions does not count toward it. Last evaluated 2025-04-09.

Conditions:
TRPC5-related disorder. Also called: TRPC5-related condition.

Submissions (2):

Ambry Genetics
Classification: Uncertain significance. Last evaluated: 2025-04-09. Review status: criteria provided, single submitter. Criteria: Ambry Variant Classification Scheme 2023. Collection method: clinical testing. Allele origin: germline.

PreventionGenetics, part of Exact Sciences
Classification: Uncertain significance for TRPC5-related condition. Last evaluated: 2024-03-19. Review status: no assertion criteria provided. Collection method: clinical testing. Allele origin: germline. Not counted in ClinVar's aggregate classification.
Comment: The TRPC5 c.466G>A variant is predicted to result in the amino acid substitution p.Glu156Lys. To our knowledge, this variant has not been reported in the literature. This variant is reported in 0.0054% of alleles in individuals of European (Non-Finnish) descent in gnomAD. At this time, the clinical significance of this variant is uncertain due to the absence of conclusive functional and genetic evidence.

NM_012471.3(TRPC5):c.466G>A (p.Glu156Lys)

Gene: TRPC5 (transient receptor potential cation channel subfamily C member 5; minus strand). Cytogenetic location: Xq23.
Variant type: single nucleotide variant.
Coding change: c.466G>A on transcript NM_012471.3 (MANE Select); coding-DNA position 466, G replaced by A.
Protein change: p.Glu156Lys; replaces glutamic acid 156 with lysine.
Molecular consequence: missense variant.
Genome position (GRCh38, 1-based): chrX:111,912,725, C>T on the plus strand (G>A on the coding strand, the complement: TRPC5 is on the minus strand). VCF-style: chrX-111912725-C-T. GRCh37 (hg19) VCF-style: chrX-111155953-C-T.
Other names: short protein forms E156K.
Identifiers: ClinVar variation 3358682 (VCV003358682.2).